The following is an entry in ClinVar:

NM_000277.3(PAH):c.1049C>G (p.Ser350Cys)

Gene: PAH (phenylalanine hydroxylase; minus strand). Cytogenetic location: 12q23.2.
Variant type: single nucleotide variant.
Coding change: c.1049C>G on transcript NM_000277.3 (MANE Select); coding-DNA position 1049, C replaced by G.
Protein change: p.Ser350Cys; replaces serine 350 with cysteine.
Molecular consequence: missense variant.
Genome position (GRCh38, 1-based): chr12:102,844,352, G>C on the plus strand (C>G on the coding strand, the complement: PAH is on the minus strand). VCF-style: chr12-102844352-G-C. GRCh37 (hg19) VCF-style: chr12-103238130-G-C.
Other names: c.1049C>G, p.Ser350Cys (NM_001354304.2); short protein forms S350C.
Identifiers: ClinVar variation 2103816 (VCV002103816.4), dbSNP rs62508628, ClinGen allele CA386493408.

ClinVar aggregate classification (germline): Likely pathogenic (1 of 4 stars; one submission).

Conditions:
Phenylketonuria (PKU). Also called: FOLLING DISEASE; Phenylketonurias; Phenylketonuria (PKU); OLIGOPHRENIA PHENYLPYRUVICA. Identifiers: Orphanet 716, MedGen C0031485, MONDO:0009861, OMIM 261600. Disease mechanism: loss of function.

Submission:

Labcorp Genetics (formerly Invitae), Labcorp
Classification: Likely pathogenic for Phenylketonuria. Last evaluated: 2022-03-02. Review status: criteria provided, single submitter. Criteria: Invitae Variant Classification Sherloc (09022015). Collection method: clinical testing. Allele origin: germline.
Comment: This variant has not been reported in the literature in individuals affected with PAH-related conditions. In summary, the currently available evidence indicates that the variant is pathogenic, but additional data are needed to prove that conclusively. Therefore, this variant has been classified as Likely Pathogenic. This variant disrupts the p.Ser350 amino acid residue in PAH. Other variant(s) that disrupt this residue have been determined to be pathogenic (PMID: 28653649, 32668217). This suggests that this residue is clinically significant, and that variants that disrupt this residue are likely to be disease-causing. Advanced modeling of protein sequence and biophysical properties (such as structural, functional, and spatial information, amino acid conservation, physicochemical variation, residue mobility, and thermodynamic stability) performed at Invitae indicates that this missense variant is expected to disrupt PAH protein function. This variant is not present in population databases (gnomAD no frequency). This sequence change replaces serine, which is neutral and polar, with cysteine, which is neutral and slightly polar, at codon 350 of the PAH protein (p.Ser350Cys).

Literature cited by the submitters: PubMed 28653649; PubMed 32668217.